The following is an entry in ClinVar:

NM_006445.4(PRPF8):c.3398G>T (p.Cys1133Phe)

Gene: PRPF8 (pre-mRNA processing factor 8; minus strand). Cytogenetic location: 17p13.3.
Variant type: single nucleotide variant.
Coding change: c.3398G>T on transcript NM_006445.4 (MANE Select); coding-DNA position 3398, G replaced by T.
Protein change: p.Cys1133Phe; replaces cysteine 1133 with phenylalanine.
Molecular consequence: missense variant.
Genome position (GRCh38, 1-based): chr17:1,673,794, C>A on the plus strand (G>T on the coding strand, the complement: PRPF8 is on the minus strand). VCF-style: chr17-1673794-C-A. GRCh37 (hg19) VCF-style: chr17-1577088-C-A.
Other names: short protein forms C1133F.
Identifiers: ClinVar variation 2117640 (VCV002117640.5), dbSNP rs1382307271, ClinGen allele CA397541415.

ClinVar aggregate classification (germline): Uncertain significance. Review status: criteria provided, multiple submitters, no conflicts (2 of 4 stars). 2 submissions from 2 submitters: Uncertain significance (2). Last evaluated 2025-03-10.

Allele frequency attached by ClinVar (database versions not stated): TOPMed below 0.00001; gnomAD 0.00001; gnomAD exomes 0.00002.
gnomAD v4.1: 17 of 1,614,034 alleles (0.0011%); highest among the groups gnomAD compares: Non-Finnish European, 0.0014%; no homozygotes.

Submissions (2):

Labcorp Genetics (formerly Invitae), Labcorp
Classification: Uncertain significance. Last evaluated: 2025-03-10. Review status: criteria provided, single submitter. Criteria: Invitae Variant Classification Sherloc (09022015). Collection method: clinical testing. Allele origin: germline.
Comment: This sequence change replaces cysteine, which is neutral and slightly polar, with phenylalanine, which is neutral and non-polar, at codon 1133 of the PRPF8 protein (p.Cys1133Phe). This variant is not present in population databases (gnomAD no frequency). This variant has not been reported in the literature in individuals affected with PRPF8-related conditions. ClinVar contains an entry for this variant (Variation ID: 2117640). Invitae Evidence Modeling of protein sequence and biophysical properties (such as structural, functional, and spatial information, amino acid conservation, physicochemical variation, residue mobility, and thermodynamic stability) indicates that this missense variant is expected to disrupt PRPF8 protein function with a positive predictive value of 80%. In summary, the available evidence is currently insufficient to determine the role of this variant in disease. Therefore, it has been classified as a Variant of Uncertain Significance.

Blueprint Genetics
Classification: Uncertain significance. Last evaluated: 2022-09-08. Review status: criteria provided, single submitter. Criteria: ACMG Guidelines, 2015. Collection method: clinical testing. Allele origin: germline.